The following is an entry in ClinVar:

ClinVar aggregate classification (germline): Uncertain significance (1 of 4 stars; one submission).

Conditions:
POLR1A-related disorder. Also called: POLR1A-related condition.

Submission:

PreventionGenetics, part of Exact Sciences
Classification: Uncertain significance for POLR1A-related condition. Last evaluated: 2026-09-02. Review status: criteria provided, single submitter. Criteria: ACMG Guidelines, 2015. Collection method: clinical testing. Allele origin: germline.
Comment: The POLR1A c.481_483dupTTA variant is predicted to result in an in-frame duplication (p.Leu161dup). To our knowledge, this variant has not been reported in the literature or in a large population database (gnomAD), indicating this variant is rare. At this time, the clinical significance of this variant is uncertain due to the absence of conclusive functional and genetic evidence.

NM_015425.6(POLR1A):c.481_483dup (p.Leu161_Glu162insLeu)

Gene: POLR1A (RNA polymerase I subunit A; minus strand). Cytogenetic location: 2p11.2.
Variant type: Duplication.
Coding change: c.481_483dup on transcript NM_015425.6 (MANE Select); coding-DNA positions 481 to 483, 3 bases duplicated (TTA; older notation c.481_483dupTTA).
Protein change: p.Leu161_Glu162insLeu.
Molecular consequence: inframe insertion.
Genome position (GRCh38, 1-based): chr2:86,089,879-86,089,881, TAA duplicated on the plus strand (TTA on the coding strand, the reverse complement: POLR1A is on the minus strand); duplicating any 3 consecutive bases within chr2:86,089,879-86,089,882 gives the same sequence; the c. name uses the placement nearest the transcript's 3' end. VCF-style (leftmost placement, unchanged base first): chr2-86089878-C-CTAA. GRCh37 (hg19) VCF-style: chr2-86317001-C-CTAA.
Identifiers: ClinVar variation 4992322 (VCV004992322.1).